The following is an entry in ClinVar:

ClinVar aggregate classification (germline): Uncertain significance. Review status: criteria provided, multiple submitters, no conflicts (2 of 4 stars). 2 submissions from 2 submitters: Uncertain significance (2). Last evaluated 2025-11-22.

Conditions:
Cardiomyopathy (CMYO). Also called: Cardiomyopathies. Identifiers: Orphanet 167848, MedGen C0878544, MONDO:0004994, HP:0001638. Inheritance: Various modes of inheritance.
Catecholaminergic polymorphic ventricular tachycardia 1. Also called: RYR2-Related Catecholaminergic Polymorphic Ventricular Tachycardia; VENTRICULAR TACHYCARDIA, STRESS-INDUCED POLYMORPHIC 1; VENTRICULAR TACHYCARDIA, CATECHOLAMINERGIC POLYMORPHIC, 1, WITH OR WITHOUT ATRIAL DYSFUNCTION AND/OR DILATED CARDIOMYOPATHY. Identifiers: Orphanet 3286, MedGen C1631597, MONDO:0011484, OMIM 604772.

Submissions (2):

Labcorp Genetics (formerly Invitae), Labcorp
Classification: Uncertain significance for Catecholaminergic polymorphic ventricular tachycardia 1. Last evaluated: 2025-11-22. Review status: criteria provided, single submitter. Criteria: Invitae Variant Classification Sherloc (09022015). Collection method: clinical testing. Allele origin: germline.
Comment: This sequence change creates a premature translational stop signal (p.Leu3621Phefs*20) in the RYR2 gene. It is expected to result in an absent or disrupted protein product. However, the current clinical and genetic evidence is not sufficient to establish whether loss-of-function variants in RYR2 cause disease. This variant is not present in population databases (gnomAD no frequency). This variant has not been reported in the literature in individuals affected with RYR2-related conditions. In summary, the available evidence is currently insufficient to determine the role of this variant in disease. Therefore, it has been classified as a Variant of Uncertain Significance.

Color Diagnostics, LLC DBA Color Health
Classification: Uncertain significance for Cardiomyopathy. Last evaluated: 2025-09-22. Review status: criteria provided, single submitter. Criteria: ACMG Guidelines, 2015. Collection method: clinical testing. Allele origin: germline.
Comment: This variant deletes 1 nucleotide in exon 77 of the RYR2 gene, creating a frameshift and premature translation stop signal. This variant is expected to result in an absent or non-functional protein product. To our knowledge, this variant has not been reported in individuals affected with RYR2-related disorders in the literature. This variant has not been identified in the general population by the Genome Aggregation Database (gnomAD). The available evidence is insufficient to determine the role of this variant in disease conclusively. Therefore, this variant is classified as a Variant of Uncertain Significance.

NM_001035.3(RYR2):c.10860del (p.Leu3621fs)

Gene: RYR2 (ryanodine receptor 2; plus strand). Cytogenetic location: 1q43.
Variant type: Deletion.
Coding change: c.10860del on transcript NM_001035.3 (MANE Select); coding-DNA position 10860, one base deleted (T; older notation c.10860delT).
Protein change: p.Leu3621fs; shifts the reading frame from leucine 3621.
Molecular consequence: frameshift variant.
Genome position (GRCh38, 1-based): chr1:237,730,281, T deleted; the last of 3 consecutive T bases (chr1:237,730,279-237,730,281); deleting any one gives the same sequence. VCF-style (leftmost placement, unchanged base first): chr1-237730278-CT-C. GRCh37 (hg19) VCF-style: chr1-237893578-CT-C.
Other names: short protein forms L3621fs.
Identifiers: ClinVar variation 4759129 (VCV004759129.2).